The following is an entry in ClinVar:

NM_020821.3(VPS13C):c.1111C>T (p.Arg371Ter)

Gene: VPS13C (vacuolar protein sorting 13 homolog C; minus strand). Cytogenetic location: 15q22.2.
Variant type: single nucleotide variant.
Coding change: c.1111C>T on transcript NM_020821.3 (MANE Select); coding-DNA position 1111, C replaced by T.
Protein change: p.Arg371Ter; replaces arginine 371 with a stop codon.
Molecular consequence: nonsense.
Genome position (GRCh38, 1-based): chr15:62,008,662, G>A on the plus strand (C>T on the coding strand, the complement: VPS13C is on the minus strand). VCF-style: chr15-62008662-G-A. GRCh37 (hg19) VCF-style: chr15-62300861-G-A.
Other names: c.1111C>T, p.Arg371Ter (NM_001018088.3); c.982C>T, p.Arg328Ter (NM_017684.5, NM_018080.4); short protein forms R328*, R371*.
Identifiers: ClinVar variation 982938 (VCV000982938.3), dbSNP rs752457309, ClinGen allele CA7597216.

ClinVar aggregate classification (germline): Pathogenic/Likely pathogenic. Review status: criteria provided, multiple submitters, no conflicts (2 of 4 stars). 3 submissions from 3 submitters: Pathogenic (2); Likely pathogenic (1). Last evaluated 2025-09-20.

Conditions:
Autosomal recessive early-onset Parkinson disease 23. Identifiers: Orphanet 2828, MedGen C4225186, MONDO:0014796, OMIM 616840.
Young-onset Parkinson disease. Identifiers: Orphanet 2828, MedGen C4275179, MONDO:0017279.

Allele frequency attached by ClinVar (database versions not stated): gnomAD exomes 0.00001; ExAC 0.00002; gnomAD 0.00002; TOPMed 0.00002.

Submissions (3):

Labcorp Genetics (formerly Invitae), Labcorp
Classification: Pathogenic. Last evaluated: 2025-09-20. Review status: criteria provided, single submitter. Criteria: Invitae Variant Classification Sherloc (09022015). Collection method: clinical testing. Allele origin: germline.
Comment: This sequence change creates a premature translational stop signal (p.Arg371*) in the VPS13C gene. It is expected to result in an absent or disrupted protein product. Loss-of-function variants in VPS13C are known to be pathogenic (PMID: 26942284, 34875562). The frequency data for this variant in the population databases is considered unreliable, as metrics indicate poor data quality at this position in the gnomAD database. This variant has not been reported in the literature in individuals affected with VPS13C-related conditions. ClinVar contains an entry for this variant (Variation ID: 982938). For these reasons, this variant has been classified as Pathogenic.

Laboratory for Molecular Medicine, Mass General Brigham Personalized Medicine
Classification: Likely pathogenic for Young-onset Parkinson disease. Last evaluated: 2019-03-07. Review status: criteria provided, single submitter. Criteria: ACMG Guidelines, 2015. Collection method: clinical testing. Allele origin: germline. Inheritance: Autosomal recessive inheritance.
Comment: The p.Arg371X variant VPS13C has not been previously reported in individuals with Parkinson disease but has been identified in 2/4994 of African chromosomes by gnomAD.This nonsense variant leads to a premature termination codon at position 371, which is predicted to lead to a truncated or absent protein. Loss of function of the VPS13C gene has been recently associated with autosomal recessive early onset parkinsonism (Schormair 2018; Lesage 2016; Darvish 2018). In summary, although additional studies are required to fully establish its clinical significance, this variant meets criteria to be classified as likely pathogenic for autosomal recessive early onset parkinsonism. ACMG/AMP Criteria applied: PM2, PVS1_Strong.

Institute of Human Genetics, University of Leipzig Medical Center
Classification: Pathogenic for Autosomal recessive early-onset Parkinson disease 23. Last evaluated: 2019-01-01. Review status: criteria provided, single submitter. Criteria: ACMG Guidelines, 2015. Collection method: clinical testing. Allele origin: unknown. Affected: yes.

Literature cited by the submitters: PubMed 26942284 (cited by Labcorp Genetics (formerly Invitae), Labcorp); PubMed 34875562 (cited by Labcorp Genetics (formerly Invitae), Labcorp).